The following is an entry in ClinVar:

NM_020922.5(WNK3):c.3351A>C (p.Leu1117Phe)

Gene: WNK3 (WNK lysine deficient protein kinase 3; minus strand). Cytogenetic location: Xp11.22.
Variant type: single nucleotide variant.
Coding change: c.3351A>C on transcript NM_020922.5 (MANE Select); coding-DNA position 3351, A replaced by C.
Protein change: p.Leu1117Phe; replaces leucine 1117 with phenylalanine.
Molecular consequence: missense variant.
Genome position (GRCh38, 1-based): chrX:54,248,997, T>G on the plus strand (A>C on the coding strand, the complement: WNK3 is on the minus strand). VCF-style: chrX-54248997-T-G. GRCh37 (hg19) VCF-style: chrX-54275430-T-G.
Other names: c.3351A>C, p.Leu1117Phe (NM_001002838.4, NM_001395166.1); short protein forms L1117F.
Identifiers: ClinVar variation 3235725 (VCV003235725.1), dbSNP rs2520581607, ClinGen allele CA413349281.

ClinVar aggregate classification (germline): Uncertain significance (1 of 4 stars; one submission).

Submission:

Greenwood Genetic Center Diagnostic Laboratories, Greenwood Genetic Center
Classification: Uncertain significance. Last evaluated: 2024-02-07. Review status: criteria provided, single submitter. Criteria: ACMG Guidelines, 2015. Collection method: clinical testing. Allele origin: germline. Affected: yes.
Comment: PM2